The following is an entry in ClinVar:

NM_001134407.3(GRIN2A):c.3091G>T (p.Val1031Phe)

Gene: GRIN2A (glutamate ionotropic receptor NMDA type subunit 2A; minus strand). Cytogenetic location: 16p13.2.
Variant type: single nucleotide variant.
Coding change: c.3091G>T on transcript NM_001134407.3 (MANE Select); coding-DNA position 3091, G replaced by T.
Protein change: p.Val1031Phe; replaces valine 1031 with phenylalanine.
Molecular consequence: missense variant.
Genome position (GRCh38, 1-based): chr16:9,764,453, C>A on the plus strand (G>T on the coding strand, the complement: GRIN2A is on the minus strand). VCF-style: chr16-9764453-C-A. GRCh37 (hg19) VCF-style: chr16-9858310-C-A.
Other names: NC_000016.9:g.9858310C>A; c.3091G>T, p.Val1031Phe (NM_000833.5, NM_001134408.2); short protein forms V1031F.
Identifiers: ClinVar variation 3061151 (VCV003061151.3), dbSNP rs569342611, ClinGen allele CA394708689.
Genomic context (GRCh38, chr16:9,764,453, plus strand): 5'-ACCTAGGGCTCTTTAGGGAGTGGGTCCTATTCTCTGCTGTTGCCTCATCCCTCTGGGAGA[C>A]TGGATTCTGGGATAGTGAATCCTGGCGTATGGAATCCACGGATTTCTTCCACAGCTGCCG-3'
Protein context (NP_001127879.1, residues 1021-1041): IRQDSLSQNP[Val1031Phe]SQRDEATAEN

ClinVar aggregate classification (germline): Uncertain significance (0 of 4 stars; one submission).

Conditions:
GRIN2A-related complex neurodevelopmental disorder. Also called: GRIN2A-related disorder; GRIN2A-related condition. Identifiers: MedGen CN379781, MONDO:1060139.

Submissions (2):

PreventionGenetics, part of Exact Sciences
Classification: Uncertain significance for GRIN2A-related condition. Last evaluated: 2024-02-15. Review status: no assertion criteria provided. Collection method: clinical testing. Allele origin: germline.
Comment: The GRIN2A c.3091G>T variant is predicted to result in the amino acid substitution p.Val1031Phe. To our knowledge, this variant has not been reported in the literature or in a large population database, indicating this variant is rare. At this time, the clinical significance of this variant is uncertain due to the absence of conclusive functional and genetic evidence.

Dr. Peter K. Rogan Lab, Western University
No classification provided (evidence only). Condition: Ovarian serous cystadenocarcinoma. Review status: no classification provided. Collection method: in vitro. Allele origin: not applicable. Functional consequence: retained intron. Not counted in ClinVar's aggregate classification.